The following is an entry in ClinVar:

ClinVar aggregate classification (germline): Uncertain significance (1 of 4 stars; one submission).

Conditions:
Diffuse cerebral and cerebellar atrophy - intractable seizures - progressive microcephaly syndrome. Also called: Microcephaly, progressive, with seizures and cerebral and cerebellar atrophy. Identifiers: Orphanet 404437, MedGen C4014239, MONDO:0014335, OMIM 615760.

Allele frequency attached by ClinVar (database versions not stated): gnomAD exomes 0.00001; TOPMed 0.00001.
gnomAD v4.1: 26 of 1,614,196 alleles (0.0016%); highest among the groups gnomAD compares: Non-Finnish European, 0.0021%; no homozygotes.

Submission:

Labcorp Genetics (formerly Invitae), Labcorp
Classification: Uncertain significance for Diffuse cerebral and cerebellar atrophy - intractable seizures - progressive microcephaly syndrome. Last evaluated: 2020-07-09. Review status: criteria provided, single submitter. Criteria: Invitae Variant Classification Sherloc (09022015). Collection method: clinical testing. Allele origin: germline.
Comment: In summary, the available evidence is currently insufficient to determine the role of this variant in disease. Therefore, it has been classified as a Variant of Uncertain Significance. Algorithms developed to predict the effect of missense changes on protein structure and function (SIFT, PolyPhen-2, Align-GVGD) all suggest that this variant is likely to be tolerated, but these predictions have not been confirmed by published functional studies and their clinical significance is uncertain. This variant has not been reported in the literature in individuals with QARS-related conditions. This variant is not present in population databases (ExAC no frequency). This sequence change replaces proline with threonine at codon 737 of the QARS protein (p.Pro737Thr). The proline residue is moderately conserved and there is a small physicochemical difference between proline and threonine.

NM_005051.3(QARS1):c.2209C>A (p.Pro737Thr)

Gene: QARS1 (glutaminyl-tRNA synthetase 1; minus strand). Cytogenetic location: 3p21.31.
Variant type: single nucleotide variant.
Coding change: c.2209C>A on transcript NM_005051.3 (MANE Select); coding-DNA position 2209, C replaced by A.
Protein change: p.Pro737Thr; replaces proline 737 with threonine.
Molecular consequence: missense variant. On other transcripts: non-coding transcript variant (1).
Genome position (GRCh38, 1-based): chr3:49,098,060, G>T on the plus strand (C>A on the coding strand, the complement: QARS1 is on the minus strand). VCF-style: chr3-49098060-G-T. GRCh37 (hg19) VCF-style: chr3-49135493-G-T.
Other names: c.2176C>A, p.Pro726Thr (NM_001272073.2); short protein forms P726T, P737T.
Identifiers: ClinVar variation 1025556 (VCV001025556.5), dbSNP rs527864842, ClinGen allele CA74472181.